The following is an entry in ClinVar:

NM_000466.3(PEX1):c.945T>G (p.Phe315Leu)

Gene: PEX1 (peroxisomal biogenesis factor 1; minus strand). Cytogenetic location: 7q21.2.
Variant type: single nucleotide variant.
Coding change: c.945T>G on transcript NM_000466.3 (MANE Select); coding-DNA position 945, T replaced by G.
Protein change: p.Phe315Leu; replaces phenylalanine 315 with leucine.
Molecular consequence: missense variant.
Genome position (GRCh38, 1-based): chr7:92,517,570, A>C on the plus strand (T>G on the coding strand, the complement: PEX1 is on the minus strand). VCF-style: chr7-92517570-A-C. GRCh37 (hg19) VCF-style: chr7-92146884-A-C.
Other names: c.945T>G, p.Phe315Leu (NM_001282677.2); c.321T>G, p.Phe107Leu (NM_001282678.2); short protein forms F315L, F107L.
Identifiers: ClinVar variation 1366034 (VCV001366034.8), dbSNP rs1792852764, ClinGen allele CA368198846.

ClinVar aggregate classification (germline): Uncertain significance (1 of 4 stars; one submission).

Conditions:
Zellweger spectrum disorders (ZS). Also called: Zellweger Spectrum Disorder (ZSD); Zellweger syndrome; Zellweger Spectrum Disorder; Zellweger Spectrum. Identifiers: Orphanet 912, MedGen C0043459, MONDO:0019609.

Allele frequency attached by ClinVar (database versions not stated): TOPMed below 0.00001.

Submission:

Labcorp Genetics (formerly Invitae), Labcorp
Classification: Uncertain significance for Zellweger spectrum disorders. Last evaluated: 2022-10-13. Review status: criteria provided, single submitter. Criteria: Invitae Variant Classification Sherloc (09022015). Collection method: clinical testing. Allele origin: germline.
Comment: This sequence change replaces phenylalanine, which is neutral and non-polar, with leucine, which is neutral and non-polar, at codon 315 of the PEX1 protein (p.Phe315Leu). This variant is not present in population databases (gnomAD no frequency). This variant has not been reported in the literature in individuals affected with PEX1-related conditions. ClinVar contains an entry for this variant (Variation ID: 1366034). Advanced modeling of protein sequence and biophysical properties (such as structural, functional, and spatial information, amino acid conservation, physicochemical variation, residue mobility, and thermodynamic stability) performed at Invitae indicates that this missense variant is not expected to disrupt PEX1 protein function. In summary, the available evidence is currently insufficient to determine the role of this variant in disease. Therefore, it has been classified as a Variant of Uncertain Significance.